The following is an entry in ClinVar:

NM_000286.3(PEX12):c.539G>A (p.Arg180Gln)

Gene: PEX12 (peroxisomal biogenesis factor 12; minus strand). Cytogenetic location: 17q12.
Variant type: single nucleotide variant.
Coding change: c.539G>A on transcript NM_000286.3 (MANE Select); coding-DNA position 539, G replaced by A.
Protein change: p.Arg180Gln; replaces arginine 180 with glutamine.
Molecular consequence: missense variant.
Genome position (GRCh38, 1-based): chr17:35,577,179, C>T on the plus strand (G>A on the coding strand, the complement: PEX12 is on the minus strand). VCF-style: chr17-35577179-C-T. GRCh37 (hg19) VCF-style: chr17-33904198-C-T.
Other names: short protein forms R180Q.
Identifiers: ClinVar variation 942290 (VCV000942290.9), dbSNP rs745420734, ClinGen allele CA8504894.

ClinVar aggregate classification (germline): Uncertain significance. Review status: criteria provided, multiple submitters, no conflicts (2 of 4 stars). 2 submissions from 2 submitters: Uncertain significance (2). Last evaluated 2025-10-20.

Conditions:
PEX12-related disorder. Also called: PEX12-related condition; PEX12-related disorders.
Peroxisome biogenesis disorder 3A (Zellweger). Also called: Peroxisome biogenesis disorder 3A; PEROXISOMAL BIOGENESIS DISORDER 3A (ZELLWEGER). Identifiers: Orphanet 912, MedGen C3553929, MONDO:0013927, OMIM 614859.

Allele frequency attached by ClinVar (database versions not stated): ExAC 0.00001; gnomAD exomes 0.00001; TOPMed 0.00001.
gnomAD v4.1: 12 of 1,613,984 alleles (0.00074%); highest among the groups gnomAD compares: Non-Finnish European, 0.00093%; no homozygotes.

Submissions (2):

PreventionGenetics, part of Exact Sciences
Classification: Uncertain significance for PEX12-related condition. Last evaluated: 2025-10-20. Review status: criteria provided, single submitter. Criteria: ACMG Guidelines, 2015. Collection method: clinical testing. Allele origin: germline.
Comment: The PEX12 c.539G>A variant is predicted to result in the amino acid substitution p.Arg180Gln. To our knowledge, this variant has not been reported in the literature. This variant is reported in 0.0018% of alleles in individuals of European (Non-Finnish) descent in gnomAD. At this time, the clinical significance of this variant is uncertain due to the absence of conclusive functional and genetic evidence.

Labcorp Genetics (formerly Invitae), Labcorp
Classification: Uncertain significance for Peroxisome biogenesis disorder 3A (Zellweger). Last evaluated: 2024-10-13. Review status: criteria provided, single submitter. Criteria: Invitae Variant Classification Sherloc (09022015). Collection method: clinical testing. Allele origin: germline.
Comment: This sequence change replaces arginine, which is basic and polar, with glutamine, which is neutral and polar, at codon 180 of the PEX12 protein (p.Arg180Gln). This variant is present in population databases (rs745420734, gnomAD 0.002%). This variant has not been reported in the literature in individuals affected with PEX12-related conditions. ClinVar contains an entry for this variant (Variation ID: 942290). Invitae Evidence Modeling of protein sequence and biophysical properties (such as structural, functional, and spatial information, amino acid conservation, physicochemical variation, residue mobility, and thermodynamic stability) indicates that this missense variant is not expected to disrupt PEX12 protein function with a negative predictive value of 80%. In summary, the available evidence is currently insufficient to determine the role of this variant in disease. Therefore, it has been classified as a Variant of Uncertain Significance.